The following is an entry in ClinVar:

NM_006623.4(PHGDH):c.40A>G (p.Ser14Gly)

Gene: PHGDH (phosphoglycerate dehydrogenase; plus strand). Cytogenetic location: 1p12.
Variant type: single nucleotide variant.
Coding change: c.40A>G on transcript NM_006623.4 (MANE Select); coding-DNA position 40, A replaced by G.
Protein change: p.Ser14Gly; replaces serine 14 with glycine.
Molecular consequence: missense variant.
Genome position (GRCh38, 1-based): chr1:119,712,062, A>G. VCF-style: chr1-119712062-A-G. GRCh37 (hg19) VCF-style: chr1-120254685-A-G.
Other names: short protein forms S14G.
Identifiers: ClinVar variation 452805 (VCV000452805.7), dbSNP rs1448633854, ClinGen allele CA341414801.

ClinVar aggregate classification (germline): Uncertain significance. Review status: criteria provided, multiple submitters, no conflicts (2 of 4 stars). 5 submissions from 4 submitters: Uncertain significance (4). 1 of the submissions does not count toward it. Last evaluated 2024-02-17.

Conditions:
Neu-Laxova syndrome 1 (NLS1). Identifiers: Orphanet 2671, Orphanet 583607, MedGen C4551478, MONDO:0009736, OMIM 256520. Disease mechanism: loss of function.
PHGDH deficiency. Identifiers: Orphanet 79351, MedGen C1866174, MONDO:0011152, OMIM 601815.

Allele frequency attached by ClinVar (database versions not stated): gnomAD exomes below 0.00001.
gnomAD v4.1: 1 of 1,614,230 alleles (0.000062%); highest among the groups gnomAD compares: Non-Finnish European, 0.000085%; no homozygotes.

Submissions (5):

Labcorp Genetics (formerly Invitae), Labcorp
Classification: Uncertain significance for PHGDH deficiency. Last evaluated: 2024-02-17. Review status: criteria provided, single submitter. Criteria: Invitae Variant Classification Sherloc (09022015). Collection method: clinical testing. Allele origin: germline.
Comment: This sequence change replaces serine, which is neutral and polar, with glycine, which is neutral and non-polar, at codon 14 of the PHGDH protein (p.Ser14Gly). This variant is present in population databases (no rsID available, gnomAD 0.0009%). This variant has not been reported in the literature in individuals affected with PHGDH-related conditions. ClinVar contains an entry for this variant (Variation ID: 452805). Advanced modeling of protein sequence and biophysical properties (such as structural, functional, and spatial information, amino acid conservation, physicochemical variation, residue mobility, and thermodynamic stability) has been performed at Invitae for this missense variant, however the output from this modeling did not meet the statistical confidence thresholds required to predict the impact of this variant on PHGDH protein function. In summary, the available evidence is currently insufficient to determine the role of this variant in disease. Therefore, it has been classified as a Variant of Uncertain Significance.

Genome-Nilou Lab
Classification: Uncertain significance for Neu-Laxova syndrome 1. Last evaluated: 2023-04-11. Review status: criteria provided, single submitter. Criteria: ACMG Guidelines, 2015. Collection method: clinical testing. Allele origin: germline. Affected: no.

Genome-Nilou Lab
Classification: Uncertain significance for PHGDH deficiency. Last evaluated: 2023-04-11. Review status: criteria provided, single submitter. Criteria: ACMG Guidelines, 2015. Collection method: clinical testing. Allele origin: germline. Affected: no.

GeneDx
Classification: Uncertain significance. Last evaluated: 2017-10-24. Review status: criteria provided, single submitter. Criteria: GeneDx Variant Classification (06012015). Collection method: clinical testing. Allele origin: germline. Affected: yes.
Comment: The S14G variant in the PHGDH gene has not been reported previously as a pathogenic variant, nor as a benign variant, to our knowledge. This variant is not observed at a significant frequency in large population cohorts (Lek et al., 2016). The S14G variant is a non-conservative amino acid substitution, which is likely to impact secondary protein structure as these residues differ in polarity, charge, size and/or other properties. In addition, this substitution occurs at a position that is conserved across species. However, in silico analysis is inconsistent in its predictions as to whether or not the variant is damaging to the protein structure/function. We interpret S14G as a variant of uncertain significance.

Natera, Inc.
Classification: Uncertain significance for Phosphoglycerate dehydrogenase deficiency. Last evaluated: 2020-09-16. Review status: no assertion criteria provided. Collection method: clinical testing. Allele origin: germline. Not counted in ClinVar's aggregate classification.